The following is an entry in ClinVar:

ClinVar aggregate classification (germline): Uncertain significance (1 of 4 stars; one submission).

Submission:

Women's Health and Genetics/Laboratory Corporation of America, LabCorp
Classification: Uncertain significance. Last evaluated: 2024-12-24. Review status: criteria provided, single submitter. Criteria: LabCorp Variant Classification Summary - May 2015. Collection method: clinical testing. Allele origin: germline.
Comment: Variant summary: FAT2 c.325A>G (p.Arg109Gly) results in a non-conservative amino acid change in the encoded protein sequence. Five of five in-silico tools predict a damaging effect of the variant on protein function. The variant allele was found at a frequency of 4e-06 in 251458 control chromosomes. The available data on variant occurrences in the general population are insufficient to allow any conclusion about variant significance. To our knowledge, no occurrence of c.325A>G in individuals affected with Spinocerebellar Ataxia 45 and no experimental evidence demonstrating its impact on protein function have been reported. No submitters have cited clinical-significance assessments for this variant to ClinVar. Based on the evidence outlined above, the variant was classified as uncertain significance.

NM_001447.3(FAT2):c.325A>G (p.Arg109Gly)

Gene: FAT2 (FAT atypical cadherin 2; minus strand). Cytogenetic location: 5q33.1.
Variant type: single nucleotide variant.
Coding change: c.325A>G on transcript NM_001447.3 (MANE Select); coding-DNA position 325, A replaced by G.
Protein change: p.Arg109Gly; replaces arginine 109 with glycine.
Molecular consequence: missense variant.
Genome position (GRCh38, 1-based): chr5:151,568,607, T>C on the plus strand (A>G on the coding strand, the complement: FAT2 is on the minus strand). VCF-style: chr5-151568607-T-C. GRCh37 (hg19) VCF-style: chr5-150948168-T-C.
Other names: short protein forms R109G.
Identifiers: ClinVar variation 3768435 (VCV003768435.1).
Genomic context (GRCh38, chr5:151,568,607, plus strand): 5'-CCAACTCCAAGGTCTTCTCTGTGGCTTGGATGATGAGGGTGTAGCTGTCTCGCACCTCTC[T>C]GTTCAGAAGAGCTGTGTTGCTGCTCTTTGTCCTTATTCTTAGGAAGCAGAAGTTGCCCAC-3'
Protein context (NP_001438.1, residues 99-119): TKSSNTALLN[Arg109Gly]EVRDSYTLII